The following is an entry in ClinVar:

NM_022726.4(ELOVL4):c.-98C>T

Gene: ELOVL4 (ELOVL fatty acid elongase 4; minus strand). Cytogenetic location: 6q14.1.
Variant type: single nucleotide variant.
Coding change: c.-98C>T on transcript NM_022726.4 (MANE Select); 98 bases upstream of the start codon, C replaced by T.
Molecular consequence: 5 prime UTR variant.
Genome position (GRCh38, 1-based): chr6:79,947,377, G>A on the plus strand (C>T on the coding strand, the complement: ELOVL4 is on the minus strand). VCF-style: chr6-79947377-G-A. GRCh37 (hg19) VCF-style: chr6-80657094-G-A.
Identifiers: ClinVar variation 358151 (VCV000358151.5), dbSNP rs562763990, ClinGen allele CA10627763.

ClinVar aggregate classification (germline): Benign (1 of 4 stars; one submission).

Conditions:
Stargardt disease 3. Also called: MACULAR DYSTROPHY WITH FLECKS, TYPE 3; STARGARDT-LIKE MACULAR DYSTROPHY, AUTOSOMAL DOMINANT. Identifiers: Orphanet 827, MedGen C1838644, MONDO:0010819, OMIM 600110.

Allele frequency attached by ClinVar (database versions not stated): gnomAD exomes 0.00038; gnomAD 0.00328 and 0.00344; 1000 Genomes Project 0.00339; 1000 Genomes Project 30x 0.00359; TOPMed 0.00371.
gnomAD v4.1: 808 of 930,040 alleles (0.087%); highest among the groups gnomAD compares: African/African-American, 1%; 5 homozygotes.

Submission:

Illumina Laboratory Services, Illumina
Classification: Benign for Stargardt disease 3. Last evaluated: 2018-01-12. Review status: criteria provided, single submitter. Criteria: ICSL Variant Classification Criteria 13 December 2019. Collection method: clinical testing. Allele origin: germline.
Comment: This variant was observed in the ICSL laboratory as part of a predisposition screen in an ostensibly healthy population. It had not been previously curated by ICSL or reported in the Human Gene Mutation Database (HGMD: prior to June 1st, 2018), and was therefore a candidate for classification through an automated scoring system. Utilizing variant allele frequency, disease prevalence and penetrance estimates, and inheritance mode, an automated score was calculated to assess if this variant is too frequent to cause the disease. Based on the score and internal cut-off values, a variant classified as benign is not then subjected to further curation. The score for this variant resulted in a classification of benign for this disease.